The following is an entry in ClinVar:

NM_001171.6(ABCC6):c.1057G>A (p.Ala353Thr)

Gene: ABCC6 (ATP binding cassette subfamily C member 6; minus strand). Cytogenetic location: 16p13.11.
Variant type: single nucleotide variant.
Coding change: c.1057G>A on transcript NM_001171.6 (MANE Select); coding-DNA position 1057, G replaced by A.
Protein change: p.Ala353Thr; replaces alanine 353 with threonine.
Molecular consequence: missense variant. On other transcripts: non-coding transcript variant (1).
Genome position (GRCh38, 1-based): chr16:16,202,120, C>T on the plus strand (G>A on the coding strand, the complement: ABCC6 is on the minus strand). VCF-style: chr16-16202120-C-T. GRCh37 (hg19) VCF-style: chr16-16295977-C-T.
Other names: c.715G>A, p.Ala239Thr (NM_001351800.1); short protein forms A353T, A239T.
Identifiers: ClinVar variation 2338677 (VCV002338677.7), dbSNP rs774051128, ClinGen allele CA7926477.

ClinVar aggregate classification (germline): Uncertain significance. Review status: criteria provided, multiple submitters, no conflicts (2 of 4 stars). 4 submissions from 4 submitters: Uncertain significance (4). Last evaluated 2025-12-22.

Conditions:
ABCC6-related disorder. Also called: ABCC6-related condition.
Inborn genetic diseases. Identifiers: MedGen C0950123, MeSH D030342.

Allele frequency attached by ClinVar (database versions not stated): ExAC 0.00002; gnomAD exomes 0.00003; TOPMed 0.00003; gnomAD 0.00005.
gnomAD v4.1: 60 of 1,613,730 alleles (0.0037%); highest among the groups gnomAD compares: African/African-American, 0.0053%; no homozygotes.

Submissions (4):

PreventionGenetics, part of Exact Sciences
Classification: Uncertain significance for ABCC6-related condition. Last evaluated: 2025-12-22. Review status: criteria provided, single submitter. Criteria: ACMG Guidelines, 2015. Collection method: clinical testing. Allele origin: germline.
Comment: The ABCC6 c.1057G>A variant is predicted to result in the amino acid substitution p.Ala353Thr. To our knowledge, this variant has not been reported in the literature. This variant is reported in 0.0056% of alleles in individuals of Latino descent in gnomAD. At this time, the clinical significance of this variant is uncertain due to the absence of conclusive functional and genetic evidence.

Ambry Genetics
Classification: Uncertain significance for Inborn genetic diseases. Last evaluated: 2025-09-05. Review status: criteria provided, single submitter. Criteria: Ambry Variant Classification Scheme 2023. Collection method: clinical testing. Allele origin: germline.

GeneDx
Classification: Uncertain significance. Last evaluated: 2025-03-18. Review status: criteria provided, single submitter. Criteria: GeneDx Variant Classification Process June 2021. Collection method: clinical testing. Allele origin: germline. Affected: yes.
Comment: The c.1057G>A variant was reported in one proband from a cohort of individuals with concern for a heritable connective tissue disorder, but different p. nomenclature was used (p.Ala343Thr) and patient-specific clinical information was not provided (PMID: 35903967); In silico analysis indicates that this missense variant does not alter protein structure/function; This variant is associated with the following publications: (PMID: 35903967)

Blueprint Genetics
Classification: Uncertain significance. Last evaluated: 2022-09-09. Review status: criteria provided, single submitter. Criteria: ACMG Guidelines, 2015. Collection method: clinical testing. Allele origin: germline.